The following is an entry in ClinVar:

ClinVar aggregate classification (germline): Conflicting classifications of pathogenicity. Review status: criteria provided, conflicting classifications (1 of 4 stars). 4 submissions from 4 submitters: Pathogenic (1); Likely pathogenic (2); Likely benign (1). Last evaluated 2026-01-20.

Conditions:
Inborn genetic diseases. Identifiers: MedGen C0950123, MeSH D030342.
Deficiency of acetyl-CoA acetyltransferase. Also called: Beta-ketothiolase deficiency; 3-KETOTHIOLASE DEFICIENCY; 3-OXOTHIOLASE DEFICIENCY; MITOCHONDRIAL ACETOACETYL-CoA THIOLASE DEFICIENCY. Identifiers: Orphanet 134, MedGen C1536500, MONDO:0008760, OMIM 203750. Disease mechanism: loss of function.

Allele frequency attached by ClinVar (database versions not stated): ExAC 0.00001; gnomAD exomes 0.00002 and 0.00007; gnomAD 0.00003.

Submissions (4):

Myriad Genetics, Inc.
Classification: Likely pathogenic for Deficiency of acetyl-CoA acetyltransferase. Last evaluated: 2026-01-20. Review status: criteria provided, single submitter. Criteria: Myriad Autosomal Dominant, Autosomal Recessive and X-Linked Classification Criteria (2023). Collection method: clinical testing. Allele origin: unknown.
Comment: NM_000019.3(ACAT1):c.951C>T(aka D317=) is a silent variant classified as likely pathogenic in the context of beta-ketothiolase deficiency. D317= has been observed in cases with relevant disease (PMID: 20488739, 29624230, Baillat_2020 (Article), 34786414). Relevant functional assessments of this variant are available in the literature (PMID: 20488739). D317= has been observed in referenced population frequency databases. In summary, NM_000019.3(ACAT1):c.951C>T(aka D317=) is a silent variant that has been observed more frequently in cases with the relevant disease than in healthy populations. Please note: this variant was assessed in the context of healthy population screening.

Ambry Genetics
Classification: Likely benign for Inborn genetic diseases. Last evaluated: 2024-11-25. Review status: criteria provided, single submitter. Criteria: Ambry Variant Classification Scheme 2023. Collection method: clinical testing. Allele origin: germline.

Fulgent Genetics
Classification: Likely pathogenic for Deficiency of acetyl-CoA acetyltransferase. Last evaluated: 2024-04-18. Review status: criteria provided, single submitter. Criteria: ACMG Guidelines, 2015. Collection method: clinical testing. Allele origin: germline.

Department of Pediatrics, Gifu University
Classification: Pathogenic for Deficiency of acetyl-CoA acetyltransferase. Last evaluated: 2019-05-05. Review status: criteria provided, single submitter. Criteria: ACMG Guidelines, 2015. Collection method: research. Allele origin: germline. Affected: yes. Observed: 1 variant allele.

Literature cited by the submitters: PubMed 20488739 (cited by Myriad Genetics, Inc. and Department of Pediatrics, Gifu University); PubMed 31268215 (cited by Department of Pediatrics, Gifu University).

NM_000019.4(ACAT1):c.951C>T (p.Asp317=)

Gene: ACAT1 (acetyl-CoA acetyltransferase 1; plus strand). Cytogenetic location: 11q22.3.
Variant type: single nucleotide variant.
Coding change: c.951C>T on transcript NM_000019.4 (MANE Select); coding-DNA position 951, C replaced by T.
Protein change: p.Asp317=; no amino-acid change (aspartic acid 317 retained).
Molecular consequence: synonymous variant.
Genome position (GRCh38, 1-based): chr11:108,143,993, C>T. VCF-style: chr11-108143993-C-T. GRCh37 (hg19) VCF-style: chr11-108014720-C-T.
Identifiers: ClinVar variation 666516 (VCV000666516.8), dbSNP rs747714452, ClinGen allele CA6263320.